The following is an entry in ClinVar:

ClinVar aggregate classification (germline): Conflicting classifications of pathogenicity. Review status: criteria provided, conflicting classifications (1 of 4 stars). 10 submissions from 10 submitters: Uncertain significance (1); Benign (1); Likely benign (6). 2 of the submissions do not count toward it. Last evaluated 2026-01-16.

Conditions:
Dilated cardiomyopathy 1G (CMD1G). Identifiers: Orphanet 154, MedGen C1858763, MONDO:0011400, OMIM 604145.
Autosomal recessive limb-girdle muscular dystrophy type 2J (LGMDR10). Also called: MUSCULAR DYSTROPHY, LIMB-GIRDLE, AUTOSOMAL RECESSIVE 10; Limb-girdle muscular dystrophy, type 2J. Identifiers: Orphanet 140922, MedGen C1837342, MONDO:0012127, OMIM 608807.
Cardiovascular phenotype. Identifiers: MedGen CN230736.

Allele frequency attached by ClinVar (database versions not stated): gnomAD exomes 0.00007 and 0.00010; ESP Exome Variant Server 0.00008; ExAC 0.00013; TOPMed 0.00013; gnomAD 0.00014 and 0.00016.
gnomAD v4.1: 123 of 1,613,788 alleles (0.0076%); highest among the groups gnomAD compares: Middle Eastern, 0.099%; no homozygotes.

Submissions (10):

Labcorp Genetics (formerly Invitae), Labcorp
Classification: Likely benign for Dilated cardiomyopathy 1G; Autosomal recessive limb-girdle muscular dystrophy type 2J. Last evaluated: 2026-01-16. Review status: criteria provided, single submitter. Criteria: Invitae Variant Classification Sherloc (09022015). Collection method: clinical testing. Allele origin: germline.

Molecular Diagnostic Laboratory for Inherited Cardiovascular Disease, Montreal Heart Institute
Classification: Likely benign. Last evaluated: 2025-04-09. Review status: criteria provided, single submitter. Criteria: ACMG Guidelines, 2015. Collection method: clinical testing. Allele origin: germline. Affected: no.

CeGaT Center for Human Genetics Tuebingen
Classification: Likely benign. Last evaluated: 2025-03-01. Review status: criteria provided, single submitter. Criteria: CeGaT Center For Human Genetics Tuebingen Variant Classification Criteria Version 2. Collection method: clinical testing. Allele origin: germline. Affected: yes. Observed: 3 variant alleles.
Comment: TTN: BP4, BP7

Women's Health and Genetics/Laboratory Corporation of America, LabCorp
Classification: Likely benign. Last evaluated: 2023-10-29. Review status: criteria provided, single submitter. Criteria: LabCorp Variant Classification Summary - May 2015. Collection method: clinical testing. Allele origin: germline.

Ambry Genetics
Classification: Likely benign for Cardiovascular phenotype. Last evaluated: 2019-11-27. Review status: criteria provided, single submitter. Criteria: Ambry Variant Classification Scheme 2023. Collection method: clinical testing. Allele origin: germline.

ARUP Laboratories, Molecular Genetics and Genomics, ARUP Laboratories
Classification: Likely benign. Last evaluated: 2018-03-25. Review status: criteria provided, single submitter. Criteria: ARUP Molecular Germline Variant Investigation Process. Collection method: clinical testing. Allele origin: germline.
Comment: The c.80067C>A p.Gly26689Gly variant (rs72648230, ClinVar variant ID 378826) does not alter the amino acid sequence of the TTN protein and computational splice site prediction algorithms do not predict a change in the nearest splice site or creation of a cryptic splice site. This variant is listed in the genome Aggregation Database (gnomAD) with an African population frequency of 0.03% (identified on 7 out of 24,018 chromosomes), and evidence suggests that the vast majority of rare non-truncating TTN variants do not contribute to the clinical outcome of DCM (Begay 2015). Given the available evidence, the c.80067C>A variant is likely to be benign.

Eurofins Ntd Llc (ga)
Classification: Uncertain significance. Last evaluated: 2017-01-19. Review status: criteria provided, single submitter. Criteria: EGL Classification Definitions 2015. Collection method: clinical testing. Allele origin: germline. Observed: 3 variant alleles, 3 heterozygotes.

GeneDx
Classification: Benign. Last evaluated: 2015-07-28. Review status: criteria provided, single submitter. Criteria: GeneDx Variant Classification (06012015). Collection method: clinical testing. Allele origin: germline. Affected: yes.
Comment: This variant is considered likely benign or benign based on one or more of the following criteria: it is a conservative change, it occurs at a poorly conserved position in the protein, it is predicted to be benign by multiple in silico algorithms, and/or has population frequency not consistent with disease.

Clinical Genetics DNA and cytogenetics Diagnostics Lab, Erasmus MC, Erasmus Medical Center
Classification: Likely benign. Review status: no assertion criteria provided. Collection method: clinical testing. Allele origin: germline. Affected: yes. Study: VKGL Data-share Consensus. Not counted in ClinVar's aggregate classification.

Clinical Genetics, Academic Medical Center
Classification: Benign. Review status: no assertion criteria provided. Collection method: clinical testing. Allele origin: germline. Affected: yes. Study: VKGL Data-share Consensus. Not counted in ClinVar's aggregate classification.

NM_001267550.2(TTN):c.87771C>A (p.Gly29257=)

Genes: TTN-AS1 (TTN antisense RNA 1; plus strand), TTN (titin; minus strand). Cytogenetic location: 2q31.2.
Variant type: single nucleotide variant.
Coding change: c.87771C>A on transcript NM_001267550.2 (MANE Select); coding-DNA position 87771, C replaced by A.
Protein change: p.Gly29257=; no amino-acid change (glycine 29257 retained).
Molecular consequence: synonymous variant.
Genome position (GRCh38, 1-based): chr2:178,557,491, G>T on the plus strand (C>A on the coding strand, the complement: TTN is on the minus strand). VCF-style: chr2-178557491-G-T. GRCh37 (hg19) VCF-style: chr2-179422218-G-T.
Other names: c.82848C>A, p.Gly27616= (NM_001256850.1); c.60576C>A, p.Gly20192= (NM_003319.4); c.80067C>A, p.Gly26689= (NM_133378.4); c.60951C>A, p.Gly20317= (NM_133432.3); c.61152C>A, p.Gly20384= (NM_133437.4).
Identifiers: ClinVar variation 378826 (VCV000378826.47), dbSNP rs72648230, ClinGen allele CA1988260.
Genomic context (GRCh38, chr2:178,557,491, plus strand): 5'-TTTCATTTCCAGGTGATAGCCTACGACTGCACTGCCTCCATTTGACACTGGTTCATGCCA[G>T]CCCACAGTGATGCTTTCTCGAGTAACATTAGTGACCCATGGTGTAGATGGTGGTCCAGGT-3'
Protein context (NP_001254479.2, residues 29247-29267): TNVTRESITV[Gly29257=]WHEPVSNGGS